The following is an entry in ClinVar:

ClinVar aggregate classification (germline): Uncertain significance (1 of 4 stars; one submission).

Conditions:
BLTP1-related disorder. Also called: BLTP1-related condition.

gnomAD v4.1: 3 of 1,613,466 alleles (0.00019%); highest among the groups gnomAD compares: African/African-American, 0.0027%; no homozygotes.

Submission:

PreventionGenetics, part of Exact Sciences
Classification: Uncertain significance for BLTP1-related condition. Last evaluated: 2025-07-30. Review status: criteria provided, single submitter. Criteria: ACMG Guidelines, 2015. Collection method: clinical testing. Allele origin: germline.
Comment: The BLTP1 c.5626C>G variant is predicted to result in the amino acid substitution p.Pro1876Ala. To our knowledge, this variant has not been reported in the literature. This variant is reported in 0.0% of alleles in individuals of African descent in gnomAD. At this time, the clinical significance of this variant is uncertain due to the absence of conclusive functional and genetic evidence.

NM_001384125.1(BLTP1):c.5626C>G (p.Pro1876Ala)

Gene: BLTP1 (bridge-like lipid transfer protein family member 1; plus strand). Cytogenetic location: 4q27.
Variant type: single nucleotide variant.
Coding change: c.5626C>G on transcript NM_001384125.1 (MANE Select); coding-DNA position 5626, C replaced by G.
Protein change: p.Pro1876Ala; replaces proline 1876 with alanine.
Molecular consequence: missense variant.
Genome position (GRCh38, 1-based): chr4:122,249,598, C>G. VCF-style: chr4-122249598-C-G. GRCh37 (hg19) VCF-style: chr4-123170753-C-G.
Other names: c.5626C>G, p.Pro1876Ala (NM_015312.4); short protein forms P1876A.
Identifiers: ClinVar variation 4988559 (VCV004988559.1).